The following is an entry in ClinVar:

ClinVar aggregate classification (germline): Likely benign (1 of 4 stars; one submission).

gnomAD v4.1: 489 of 1,611,950 alleles (0.03%); highest among the groups gnomAD compares: African/African-American, 0.55%; 2 homozygotes.

Submissions (2):

CeGaT Center for Human Genetics Tuebingen
Classification: Likely benign. Last evaluated: 2025-11-01. Review status: criteria provided, single submitter. Criteria: CeGaT Center For Human Genetics Tuebingen Variant Classification Criteria Version 2. Collection method: clinical testing. Allele origin: germline. Affected: yes. Observed: 1 variant allele.
Comment: GEMIN5: BP4, BP7

Dr. Peter K. Rogan Lab, Western University
No classification provided (evidence only). Condition: Uterine corpus endometrial carcinoma. Review status: no classification provided. Collection method: in vitro. Allele origin: not applicable. Functional consequence: skipped exon. Not counted in ClinVar's aggregate classification.

NM_015465.5(GEMIN5):c.2394G>A (p.Ala798=)

Gene: GEMIN5 (gem nuclear organelle associated protein 5; minus strand). Cytogenetic location: 5q33.2.
Variant type: single nucleotide variant.
Coding change: c.2394G>A on transcript NM_015465.5 (MANE Select); coding-DNA position 2394, G replaced by A.
Protein change: p.Ala798=; no amino-acid change (alanine 798 retained).
Molecular consequence: synonymous variant.
Genome position (GRCh38, 1-based): chr5:154,907,592, C>T on the plus strand (G>A on the coding strand, the complement: GEMIN5 is on the minus strand). VCF-style: chr5-154907592-C-T. GRCh37 (hg19) VCF-style: chr5-154287152-C-T.
Other names: NC_000005.9:g.154287152C>T; c.2391G>A, p.Ala797= (NM_001252156.2).
Identifiers: ClinVar variation 4313242 (VCV004313242.7).
Genomic context (GRCh38, chr5:154,907,592, plus strand): 5'-GCTTAGTTTCCCAGACACGACCATGAAATCCTAGTGATACACAGGATTCTGCCACATACC[C>T]GCTGGAGCAAGGCCACAGGGTAATTCCGGCTCCCGTGCTTGCTCCTCCCCTTCTTGGTCT-3'
Protein context (NP_056280.2, residues 788-808): EPELPCGLAP[Ala798=]VSREPVICTP